The following is an entry in ClinVar:

ClinVar aggregate classification (germline): Uncertain significance (1 of 4 stars; one submission).

Conditions:
Inborn genetic diseases. Identifiers: MedGen C0950123, MeSH D030342.

Allele frequency attached by ClinVar (database versions not stated): gnomAD exomes 0.00001; TOPMed 0.00001.
gnomAD v4.1: 4 of 1,614,074 alleles (0.00025%); highest among the groups gnomAD compares: Admixed American, 0.0067%; no homozygotes.

Submission:

Ambry Genetics
Classification: Uncertain significance for Inborn genetic diseases. Last evaluated: 2021-10-21. Review status: criteria provided, single submitter. Criteria: Ambry Variant Classification Scheme 2023. Collection method: clinical testing. Allele origin: germline.
Comment: The p.E346G variant (also known as c.1037A>G), located in coding exon 8 of the BUB1B gene, results from an A to G substitution at nucleotide position 1037. The glutamic acid at codon 346 is replaced by glycine, an amino acid with similar properties. This amino acid position is conserved. In addition, this alteration is predicted to be tolerated by in silico analysis. Since supporting evidence is limited at this time, the clinical significance of this alteration remains unclear.

NM_001211.6(BUB1B):c.1037A>G (p.Glu346Gly)

Gene: BUB1B (BUB1 mitotic checkpoint serine/threonine kinase B; plus strand). Cytogenetic location: 15q15.1.
Variant type: single nucleotide variant.
Coding change: c.1037A>G on transcript NM_001211.6 (MANE Select); coding-DNA position 1037, A replaced by G.
Protein change: p.Glu346Gly; replaces glutamic acid 346 with glycine.
Molecular consequence: missense variant.
Genome position (GRCh38, 1-based): chr15:40,185,621, A>G. VCF-style: chr15-40185621-A-G. GRCh37 (hg19) VCF-style: chr15-40477822-A-G.
Other names: short protein forms E346G.
Identifiers: ClinVar variation 1772836 (VCV001772836.2), dbSNP rs1366874217, ClinGen allele CA391685280.
Genomic context (GRCh38, chr15:40,185,621, plus strand): 5'-ATACAGCTTCACTGATAGCTGTACCCGCTGTGCTTCCCAGTTTCACTCCATATGTGGAAG[A>G]GACTGCACGACAGCCAGTTATGTGAGTGTGGTTTTTGGATATTTTGAAGTGGGAATTATT-3'
Protein context (NP_001202.5, residues 336-356): VLPSFTPYVE[Glu346Gly]TARQPVMTPC